The following is an entry in ClinVar:

NM_001128178.3(NPHP1):c.415G>T (p.Glu139Ter)

Gene: NPHP1 (nephrocystin 1; minus strand). Cytogenetic location: 2q13.
Variant type: single nucleotide variant.
Coding change: c.415G>T on transcript NM_001128178.3 (MANE Select); coding-DNA position 415, G replaced by T.
Protein change: p.Glu139Ter; replaces glutamic acid 139 with a stop codon.
Molecular consequence: nonsense.
Genome position (GRCh38, 1-based): chr2:110,169,913, C>A on the plus strand (G>T on the coding strand, the complement: NPHP1 is on the minus strand). VCF-style: chr2-110169913-C-A. GRCh37 (hg19) VCF-style: chr2-110927490-C-A.
Other names: c.415G>T, p.Glu139Ter (NM_000272.5, NM_001374256.1, NM_001374257.1 and 1 more transcripts); c.229G>T, p.Glu77Ter (NM_001128179.3); short protein forms E139*, E77*.
Identifiers: ClinVar variation 595311 (VCV000595311.9), dbSNP rs1349732291, ClinGen allele CA348093020.

ClinVar aggregate classification (germline): Pathogenic/Likely pathogenic. Review status: criteria provided, multiple submitters, no conflicts (2 of 4 stars). 3 submissions from 3 submitters: Pathogenic (2); Likely pathogenic (1). Last evaluated 2023-09-27.

Conditions:
Nephronophthisis 1 (NPHP1). Also called: Nephronophthisis familial juvenile. Identifiers: Orphanet 655, Orphanet 93592, MedGen C1855681, MONDO:0009728, OMIM 256100.
Joubert syndrome with renal defect. Also called: JOUBERT SYNDROME 4. Identifiers: Orphanet 220497, MedGen C1846790, MONDO:0012308, OMIM 609583.
Senior-Loken syndrome 1 (SLSN1). Also called: JUVENILE NEPHRONOPHTHISIS WITH LEBER AMAUROSIS. Identifiers: Orphanet 3156, MedGen C4551559, MONDO:0009962, OMIM 266900.
Nephronophthisis. Also called: Juvenile Nephronophthisis. Identifiers: Orphanet 655, MedGen C0687120, MONDO:0019005, HP:0000090.

Allele frequency attached by ClinVar (database versions not stated): TOPMed below 0.00001; gnomAD 0.00001.
gnomAD v4.1: 4 of 1,608,926 alleles (0.00025%); highest among the groups gnomAD compares: African/African-American, 0.0053%; no homozygotes.

Submissions (3):

Labcorp Genetics (formerly Invitae), Labcorp
Classification: Pathogenic for Nephronophthisis. Last evaluated: 2023-09-27. Review status: criteria provided, single submitter. Criteria: Invitae Variant Classification Sherloc (09022015). Collection method: clinical testing. Allele origin: germline.
Comment: For these reasons, this variant has been classified as Pathogenic. ClinVar contains an entry for this variant (Variation ID: 595311). This variant has not been reported in the literature in individuals affected with NPHP1-related conditions. This variant is not present in population databases (gnomAD no frequency). This sequence change creates a premature translational stop signal (p.Glu139*) in the NPHP1 gene. It is expected to result in an absent or disrupted protein product. Loss-of-function variants in NPHP1 are known to be pathogenic (PMID: 23559409).

Fulgent Genetics
Classification: Likely pathogenic for Nephronophthisis 1; Senior-Loken syndrome 1; Joubert syndrome with renal defect. Last evaluated: 2022-04-27. Review status: criteria provided, single submitter. Criteria: ACMG Guidelines, 2015. Collection method: clinical testing. Allele origin: unknown.

Eurofins Ntd Llc (ga)
Classification: Pathogenic. Last evaluated: 2017-12-07. Review status: criteria provided, single submitter. Criteria: EGL Classification Definitions 2015. Collection method: clinical testing. Allele origin: germline. Observed: 1 variant allele, 1 heterozygote.

Literature cited by the submitters: PubMed 23559409 (cited by Labcorp Genetics (formerly Invitae), Labcorp).